The following is an entry in ClinVar:

ClinVar aggregate classification (germline): Benign/Likely benign. Review status: criteria provided, multiple submitters, no conflicts (2 of 4 stars). 9 submissions from 8 submitters: Benign (5); Likely benign (4). Last evaluated 2026-02-01.

Conditions:
Spherocytosis. Identifiers: MedGen C0553720, HP:0004444.
Hereditary spherocytosis type 1. Also called: Spherocytosis type 1; ANK1-Related Spherocytosis. Identifiers: Orphanet 822, MedGen C2674218, MONDO:0008447, OMIM 182900.

Allele frequency attached by ClinVar (database versions not stated): 1000 Genomes Project 0.00978; 1000 Genomes Project 30x 0.01046; gnomAD 0.02049 and 0.02104; TOPMed 0.02089; ExAC 0.02187; gnomAD exomes 0.02270 and 0.02893; ESP Exome Variant Server 0.02460.
gnomAD v4.1: 45,105 of 1,613,766 alleles (2.8%); highest among the groups gnomAD compares: Non-Finnish European, 3.2%; 737 homozygotes.

Submissions (9):

Labcorp Genetics (formerly Invitae), Labcorp
Classification: Benign. Last evaluated: 2026-02-01. Review status: criteria provided, single submitter. Criteria: Invitae Variant Classification Sherloc (09022015). Collection method: clinical testing. Allele origin: germline.

ARUP Laboratories, Molecular Genetics and Genomics, ARUP Laboratories
Classification: Benign for Hereditary spherocytosis type 1. Last evaluated: 2025-07-16. Review status: criteria provided, single submitter. Criteria: ARUP Molecular Germline Variant Investigation Process 2024. Collection method: clinical testing. Allele origin: germline.

Mayo Clinic Laboratories, Mayo Clinic
Classification: Likely benign. Last evaluated: 2025-02-19. Review status: criteria provided, single submitter. Criteria: ACMG Guidelines, 2015. Collection method: clinical testing. Allele origin: germline. Observed: 131 variant alleles.
Comment: BS1, BS2

Blueprint Genetics
Classification: Likely benign. Last evaluated: 2024-11-27. Review status: criteria provided, single submitter. Criteria: ACMG Guidelines, 2015. Collection method: clinical testing. Allele origin: germline.

Genome-Nilou Lab
Classification: Benign for Hereditary spherocytosis type 1. Last evaluated: 2021-12-05. Review status: criteria provided, single submitter. Criteria: ACMG Guidelines, 2015. Collection method: clinical testing. Allele origin: germline. Affected: no.

Illumina Laboratory Services, Illumina
Classification: Benign for Hereditary spherocytosis type 1. Last evaluated: 2018-01-12. Review status: criteria provided, single submitter. Criteria: ICSL Variant Classification Criteria 13 December 2019. Collection method: clinical testing. Allele origin: germline.
Comment: This variant was observed in the ICSL laboratory as part of a predisposition screen in an ostensibly healthy population. It had not been previously curated by ICSL or reported in the Human Gene Mutation Database (HGMD: prior to June 1st, 2018), and was therefore a candidate for classification through an automated scoring system. Utilizing variant allele frequency, disease prevalence and penetrance estimates, and inheritance mode, an automated score was calculated to assess if this variant is too frequent to cause the disease. Based on the score and internal cut-off values, a variant classified as benign is not then subjected to further curation. The score for this variant resulted in a classification of benign for this disease.

Illumina Laboratory Services, Illumina
Classification: Likely benign for Spherocytosis. Last evaluated: 2018-01-12. Review status: criteria provided, single submitter. Criteria: ICSL Variant Classification Criteria 13 December 2019. Collection method: clinical testing. Allele origin: germline.
Comment: This variant was observed in the ICSL laboratory as part of a predisposition screen in an ostensibly healthy population. It had not been previously curated by ICSL or reported in the Human Gene Mutation Database (HGMD: prior to June 1st, 2018), and was therefore a candidate for classification through an automated scoring system. Utilizing variant allele frequency, disease prevalence and penetrance estimates, and inheritance mode, an automated score was calculated to assess if this variant is too frequent to cause the disease. Based on the score and internal cut-off values, a variant classified as likely benign is not then subjected to further curation. The score for this variant resulted in a classification of likely benign for this disease.

Breakthrough Genomics
Classification: Likely benign. Review status: criteria provided, single submitter. Criteria: ACMG Guidelines, 2015. Collection method: not provided. Allele origin: germline. Inheritance: Autosomal dominant inheritance. Affected: yes.

PreventionGenetics, part of Exact Sciences
Classification: Benign. Review status: criteria provided, single submitter. Criteria: ACMG Guidelines, 2015. Collection method: clinical testing. Allele origin: germline.

NM_000037.4(ANK1):c.4506C>T (p.Arg1502=)

Genes: ANK1 (ankyrin 1; minus strand), LOC126860368 (BRD4-independent group 4 enhancer GRCh37_chr8:41541049-41542248; plus strand). Cytogenetic location: 8p11.21.
Variant type: single nucleotide variant.
Coding change: c.4506C>T on transcript NM_000037.4 (MANE Select); coding-DNA position 4506, C replaced by T.
Protein change: p.Arg1502=; no amino-acid change (arginine 1502 retained).
Molecular consequence: synonymous variant.
Genome position (GRCh38, 1-based): chr8:41,684,575, G>A on the plus strand (C>T on the coding strand, the complement: ANK1 is on the minus strand). VCF-style: chr8-41684575-G-A. GRCh37 (hg19) VCF-style: chr8-41542093-G-A.
Other names: p.Arg1502=; c.4629C>T, p.Arg1543= (NM_001142446.2); c.4506C>T, p.Arg1502= (NM_020475.3, NM_020476.3, NM_020477.3).
Identifiers: ClinVar variation 261312 (VCV000261312.30), dbSNP rs34265667, ClinGen allele CA4727530.